The following is an entry in ClinVar:

NM_198578.4(LRRK2):c.7337G>A (p.Arg2446His)

Gene: LRRK2 (leucine rich repeat kinase 2; plus strand). Cytogenetic location: 12q12.
Variant type: single nucleotide variant.
Coding change: c.7337G>A on transcript NM_198578.4 (MANE Select); coding-DNA position 7337, G replaced by A.
Protein change: p.Arg2446His; replaces arginine 2446 with histidine.
Molecular consequence: missense variant.
Genome position (GRCh38, 1-based): chr12:40,364,997, G>A. VCF-style: chr12-40364997-G-A. GRCh37 (hg19) VCF-style: chr12-40758799-G-A.
Other names: short protein forms R2446H.
Identifiers: ClinVar variation 2970995 (VCV002970995.25), dbSNP rs200795955, ClinGen allele CA6514900.

ClinVar aggregate classification (germline): Conflicting classifications of pathogenicity. Review status: criteria provided, conflicting classifications (1 of 4 stars). 2 submissions from 2 submitters: Uncertain significance (1); Likely benign (1). Last evaluated 2023-12-01.

Conditions:
Autosomal dominant Parkinson disease 8. Also called: LRRK2-Related Parkinson Disease; Parkinson disease 8; Parkinson disease 8, susceptibility to. Identifiers: Orphanet 411602, MedGen C1846862, MONDO:0011764, OMIM 607060.

Allele frequency attached by ClinVar (database versions not stated): gnomAD 0.00001; ExAC 0.00002; gnomAD exomes 0.00002; TOPMed 0.00002.
gnomAD v4.1: 27 of 1,612,448 alleles (0.0017%); highest among the groups gnomAD compares: Non-Finnish European, 0.0022%; no homozygotes.

Submissions (2):

CeGaT Center for Human Genetics Tuebingen
Classification: Likely benign. Last evaluated: 2023-12-01. Review status: criteria provided, single submitter. Criteria: CeGaT Center For Human Genetics Tuebingen Variant Classification Criteria Version 2. Collection method: clinical testing. Allele origin: germline. Affected: yes. Observed: 1 variant allele.
Comment: LRRK2: BP4

Labcorp Genetics (formerly Invitae), Labcorp
Classification: Uncertain significance for Autosomal dominant Parkinson disease 8. Last evaluated: 2022-12-20. Review status: criteria provided, single submitter. Criteria: Invitae Variant Classification Sherloc (09022015). Collection method: clinical testing. Allele origin: germline.
Comment: This sequence change replaces arginine, which is basic and polar, with histidine, which is basic and polar, at codon 2446 of the LRRK2 protein (p.Arg2446His). This variant is present in population databases (rs200795955, gnomAD 0.003%). This variant has not been reported in the literature in individuals affected with LRRK2-related conditions. Algorithms developed to predict the effect of missense changes on protein structure and function output the following: SIFT: "Tolerated"; PolyPhen-2: "Benign"; Align-GVGD: "Class C0". The histidine amino acid residue is found in multiple mammalian species, which suggests that this missense change does not adversely affect protein function. Algorithms developed to predict the effect of sequence changes on RNA splicing suggest that this variant may create or strengthen a splice site. In summary, the available evidence is currently insufficient to determine the role of this variant in disease. Therefore, it has been classified as a Variant of Uncertain Significance.